The following is an entry in ClinVar:

ClinVar aggregate classification (germline): Uncertain significance (1 of 4 stars; one submission).

Submission:

GeneDx
Classification: Uncertain significance. Last evaluated: 2026-02-24. Review status: criteria provided, single submitter. Criteria: GeneDx Variant Classification Process June 2021. Collection method: clinical testing. Allele origin: germline.
Comment: Not observed at significant frequency in large population cohorts (gnomAD); In silico analysis supports that this missense variant has a deleterious effect on protein structure/function; Has not been previously published as pathogenic or benign to our knowledge

NM_001145358.2(SIN3A):c.2780A>C (p.Glu927Ala)

Gene: SIN3A (SIN3 transcription regulator family member A; minus strand). Cytogenetic location: 15q24.2.
Variant type: single nucleotide variant.
Coding change: c.2780A>C on transcript NM_001145358.2 (MANE Select); coding-DNA position 2780, A replaced by C.
Protein change: p.Glu927Ala; replaces glutamic acid 927 with alanine.
Molecular consequence: missense variant.
Genome position (GRCh38, 1-based): chr15:75,392,313, T>G on the plus strand (A>C on the coding strand, the complement: SIN3A is on the minus strand). VCF-style: chr15-75392313-T-G. GRCh37 (hg19) VCF-style: chr15-75684654-T-G.
Other names: c.2780A>C, p.Glu927Ala (NM_001145357.2, NM_001437462.1, NM_001437463.1 and 1 more transcripts); short protein forms E927A.
Identifiers: ClinVar variation 5007926 (VCV005007926.1).
Genomic context (GRCh38, chr15:75,392,313, plus strand): 5'-AGACGTAGCTGAATGGCAGGGCTGTCACTCTTGTCTCGCTTTATGCCCAGCACTTCCCGT[T>G]CCCATTCTCTCTCTCGGTTTTCTTCTTCAATTTGCCGTTCGGCTTGGGAACAAATCCGTA-3'
Protein context (NP_001138830.1, residues 917-937): IEEENREREW[Glu927Ala]REVLGIKRDK